The following is an entry in ClinVar:

NM_004565.3(PEX14):c.36+5G>C

Gene: PEX14 (peroxisomal biogenesis factor 14; plus strand). Cytogenetic location: 1p36.22.
Variant type: single nucleotide variant.
Coding change: c.36+5G>C on transcript NM_004565.3 (MANE Select); 5 bases into the intron after coding-DNA position 36, G replaced by C.
Molecular consequence: intron variant.
Genome position (GRCh38, 1-based): chr1:10,475,007, G>C. VCF-style: chr1-10475007-G-C. GRCh37 (hg19) VCF-style: chr1-10535064-G-C.
Identifiers: ClinVar variation 3680985 (VCV003680985.2).

ClinVar aggregate classification (germline): Uncertain significance (1 of 4 stars; one submission).

Conditions:
Peroxisome biogenesis disorder, complementation group K (CGK). Identifiers: MedGen C1866257, MONDO:0800365.

gnomAD v4.1: 1 of 1,609,342 alleles (0.000062%); highest among the groups gnomAD compares: Non-Finnish European, 0.000085%; no homozygotes.

Submission:

Labcorp Genetics (formerly Invitae), Labcorp
Classification: Uncertain significance for Peroxisome biogenesis disorder, complementation group K. Last evaluated: 2024-10-10. Review status: criteria provided, single submitter. Criteria: Invitae Variant Classification Sherloc (09022015). Collection method: clinical testing. Allele origin: germline.
Comment: This sequence change falls in intron 1 of the PEX14 gene. It does not directly change the encoded amino acid sequence of the PEX14 protein. It affects a nucleotide within the consensus splice site. This variant is not present in population databases (gnomAD no frequency). This variant has not been reported in the literature in individuals affected with PEX14-related conditions. Variants that disrupt the consensus splice site are a relatively common cause of aberrant splicing (PMID: 17576681, 9536098). Algorithms developed to predict the effect of sequence changes on RNA splicing suggest that this variant is not likely to affect RNA splicing. In summary, the available evidence is currently insufficient to determine the role of this variant in disease. Therefore, it has been classified as a Variant of Uncertain Significance.

Literature cited by the submitters: PubMed 17576681; PubMed 9536098.